The following is an entry in ClinVar:

NM_013275.6(ANKRD11):c.2213G>A (p.Arg738His)

Gene: ANKRD11 (ankyrin repeat domain 11; minus strand). Cytogenetic location: 16q24.3.
Variant type: single nucleotide variant.
Coding change: c.2213G>A on transcript NM_013275.6 (MANE Select); coding-DNA position 2213, G replaced by A.
Protein change: p.Arg738His; replaces arginine 738 with histidine.
Molecular consequence: missense variant.
Genome position (GRCh38, 1-based): chr16:89,284,329, C>T on the plus strand (G>A on the coding strand, the complement: ANKRD11 is on the minus strand). VCF-style: chr16-89284329-C-T. GRCh37 (hg19) VCF-style: chr16-89350737-C-T.
Other names: c.2213G>A (NM_013275.5); c.2213G>A, p.Arg738His (NM_001256182.2, NM_001256183.2); short protein forms R738H.
Identifiers: ClinVar variation 804529 (VCV000804529.14), dbSNP rs370690185, ClinGen allele CA8242617.
Genomic context (GRCh38, chr16:89,284,329, plus strand): 5'-AGTTTTTCTTCTTTCGGAGACTTTTCCTTCAGCGATCTCTCCTTTTCTGCTTTATTCGAA[C>T]GGTCTTTCTCTTCTCGGAAAGACCTGCTGATGTCTTTGTTTGTGTCTTTGATTCTCTTCA-3'
Protein context (NP_037407.4, residues 728-748): ISRSFREEKD[Arg738His]SNKAEKERSL

ClinVar aggregate classification (germline): Conflicting classifications of pathogenicity. Review status: criteria provided, conflicting classifications (1 of 4 stars). 7 submissions from 7 submitters: Uncertain significance (3); Likely benign (3). 1 of the submissions does not count toward it. Last evaluated 2026-05-21.

Conditions:
ANKRD11-related disorder. Also called: ANKRD11-related condition.
Inborn genetic diseases. Identifiers: MedGen C0950123, MeSH D030342.
KBG syndrome (KBGS). Also called: ANKRD11-Related KBG Syndrome. Identifiers: Orphanet 2332, MedGen C0220687, MONDO:0007846, OMIM 148050.

Allele frequency attached by ClinVar (database versions not stated): ExAC 0.00004; gnomAD exomes 0.00004 and 0.00008; TOPMed 0.00006; gnomAD 0.00007 and 0.00009; ESP Exome Variant Server 0.00015.
gnomAD v4.1: 120 of 1,613,754 alleles (0.0074%); highest among the groups gnomAD compares: Middle Eastern, 0.016%; no homozygotes.

Submissions (7):

Women's Health and Genetics/Laboratory Corporation of America, LabCorp
Classification: Likely benign. Last evaluated: 2026-05-21. Review status: criteria provided, single submitter. Criteria: LabCorp Variant Classification Summary - May 2015. Collection method: clinical testing. Allele origin: germline.
Comment: Variant summary: ANKRD11 c.2213G>A (p.Arg738His) results in a non-conservative amino acid change in the encoded protein sequence. Algorithms developed to predict the effect of missense changes on protein structure and function are either unavailable or do not agree on the potential impact of this missense change. The variant allele was found at a frequency of 7.4e-05 in 1613754 control chromosomes (gnomAD v4). The observed variant frequency exceeds the estimated maximal expected allele frequency for disease-causing variants in ANKRD11. c.2213G>A has been observed in one individual affected with congenital heart disease (Sierant_2025). These report(s) do not provide unequivocal conclusions about association of the variant with disease. To our knowledge, no experimental evidence demonstrating an impact on protein function has been reported. The following publication has been ascertained in the context of this evaluation (PMID: 40127276). ClinVar contains an entry for this variant (Variation ID: 804529). Based on the evidence outlined above, the variant was classified as likely benign.

CeGaT Center for Human Genetics Tuebingen
Classification: Likely benign. Last evaluated: 2026-03-01. Review status: criteria provided, single submitter. Criteria: CeGaT Center For Human Genetics Tuebingen Variant Classification Criteria Version 2. Collection method: clinical testing. Allele origin: germline. Affected: yes. Observed: 1 variant allele.
Comment: ANKRD11: BP4

Labcorp Genetics (formerly Invitae), Labcorp
Classification: Uncertain significance for KBG syndrome. Last evaluated: 2023-11-27. Review status: criteria provided, single submitter. Criteria: Invitae Variant Classification Sherloc (09022015). Collection method: clinical testing. Allele origin: germline.
Comment: This sequence change replaces arginine, which is basic and polar, with histidine, which is basic and polar, at codon 738 of the ANKRD11 protein (p.Arg738His). This variant is present in population databases (rs370690185, gnomAD 0.01%). This variant has not been reported in the literature in individuals affected with ANKRD11-related conditions. ClinVar contains an entry for this variant (Variation ID: 804529). Advanced modeling of protein sequence and biophysical properties (such as structural, functional, and spatial information, amino acid conservation, physicochemical variation, residue mobility, and thermodynamic stability) performed at Invitae indicates that this missense variant is not expected to disrupt ANKRD11 protein function with a negative predictive value of 95%. In summary, the available evidence is currently insufficient to determine the role of this variant in disease. Therefore, it has been classified as a Variant of Uncertain Significance.

Ambry Genetics
Classification: Likely benign for Inborn genetic diseases. Last evaluated: 2022-11-03. Review status: criteria provided, single submitter. Criteria: Ambry Variant Classification Scheme 2023. Collection method: clinical testing. Allele origin: germline.

Revvity Omics, Revvity
Classification: Uncertain significance for KBG syndrome. Last evaluated: 2021-02-02. Review status: criteria provided, single submitter. Criteria: ACMG Guidelines, 2015. Collection method: clinical testing. Allele origin: germline.

Athena Diagnostics
Classification: Uncertain significance. Last evaluated: 2019-02-28. Review status: criteria provided, single submitter. Criteria: Athena Diagnostics Criteria. Collection method: clinical testing. Allele origin: germline.

PreventionGenetics, part of Exact Sciences
Classification: Likely benign for ANKRD11-related condition. Last evaluated: 2024-04-10. Review status: no assertion criteria provided. Collection method: clinical testing. Allele origin: germline. Not counted in ClinVar's aggregate classification.
Comment: This variant is classified as likely benign based on ACMG/AMP sequence variant interpretation guidelines (Richards et al. 2015 PMID: 25741868, with internal and published modifications).

Literature cited by the submitters: PubMed 40127276 (cited by Women's Health and Genetics/Laboratory Corporation of America, LabCorp).